The following is an entry in ClinVar:

ClinVar aggregate classification (germline): Pathogenic. Review status: criteria provided, multiple submitters, no conflicts (2 of 4 stars). 7 submissions from 7 submitters: Pathogenic (4). 3 of the submissions do not count toward it. Last evaluated 2024-12-19.

Conditions:
MSH6-related disorder. Also called: MSH6-Related disorders; MSH6-related condition.
Hereditary cancer-predisposing syndrome. Also called: Neoplastic Syndromes, Hereditary; Tumor predisposition; Hereditary Cancer Syndrome; Hereditary neoplastic syndrome. Identifiers: Orphanet 140162, MedGen C0027672, MeSH D009386, MONDO:0015356.
Lynch syndrome 5 (LYNCH5). Also called: Colorectal cancer, hereditary nonpolyposis, type 5; Hereditary non-polyposis colorectal cancer, type 5. Identifiers: Orphanet 144, MedGen C1833477, MONDO:0013710, OMIM 614350. Disease mechanism: loss of function.
Carcinoma of colon (CRC). Also called: Colonic carcinoma; Colon carcinoma. Identifiers: MedGen C0699790, MONDO:0002032.

Submissions (7):

Genomic Medicine Center of Excellence, King Faisal Specialist Hospital and Research Centre
Classification: Pathogenic for Lynch syndrome 5. Last evaluated: 2024-12-19. Review status: criteria provided, single submitter. Criteria: ACMG Guidelines, 2015. Collection method: clinical testing. Allele origin: germline.

GeneDx
Classification: Pathogenic. Last evaluated: 2024-03-28. Review status: criteria provided, single submitter. Criteria: GeneDx Variant Classification Process June 2021. Collection method: clinical testing. Allele origin: germline. Affected: yes.
Comment: Nonsense variant predicted to result in protein truncation or nonsense mediated decay in a gene for which loss of function is a known mechanism of disease; Observed in individuals with colorectal cancer (PMID: 28975465); Observed as apparently homozygous in two pediatric siblings, one with glioblastoma and the other with T-cell lymphoma (PMID: 30104292); Not observed at significant frequency in large population cohorts (gnomAD); Truncating variants in this gene are considered pathogenic by a well-established clinical consortium and/or database; This variant is associated with the following publications: (PMID: 28975465, 37306523, 30104292)

Myriad Genetics, Inc.
Classification: Pathogenic for Lynch syndrome 5. Last evaluated: 2023-08-16. Review status: criteria provided, single submitter. Criteria: Myriad Autosomal Dominant, Autosomal Recessive and X-Linked Classification Criteria (2023). Collection method: clinical testing. Allele origin: unknown.
Comment: This variant is considered pathogenic. This variant creates a termination codon and is predicted to result in premature protein truncation.

Blueprint Genetics
Classification: Pathogenic for MSH6-related disorders. Last evaluated: 2023-04-14. Review status: criteria provided, single submitter. Criteria: ACMG Guidelines, 2015. Collection method: clinical testing. Allele origin: germline. Affected: yes. Observed: 1 variant allele.

True Health Diagnostics
Classification: Pathogenic for Hereditary cancer-predisposing syndrome. Last evaluated: 2018-01-24. Review status: no assertion criteria provided. Collection method: clinical testing. Allele origin: germline. Not counted in ClinVar's aggregate classification.

Department of Pathology and Laboratory Medicine, Sinai Health System
Classification: Pathogenic for Carcinoma of colon. Review status: no assertion criteria provided. Collection method: clinical testing. Allele origin: unknown. Affected: yes. Study: The Canadian Open Genetics Repository (COGR). Not counted in ClinVar's aggregate classification.
Comment: The MSH6 p.Trp628* variant was not identified in the literature nor was it identified in the UMD-LSDB database. The variant was identified in dbSNP (rs863225401) as â€šÃ„Ãºwith likely pathogenic alleleâ€šÃ„Ã¹ and ClinVar (classified as pathogenic by True Health Diagnostics and likely pathogenic by Mayo Clinic). The variant was not identified in the following control databases: the Exome Aggregation Consortium (August 8th 2016) or the Genome Aggregation Database (Feb 27, 2017). The c.1883G>A variant leads to a premature stop codon at position 628, which is predicted to lead to a truncated or absent protein and loss of function. Loss of function variants of the MSH6 gene are an established mechanism of disease in Lynch Syndrome and is the type of variant expected to cause the disorder. In summary, based on the above information, this variant meets our laboratory's criteria to be classified as pathogenic.

Mayo Clinic Laboratories, Mayo Clinic
Classification: Likely pathogenic. Review status: no assertion criteria provided. Collection method: research. Allele origin: unknown. Observed: 4 variant alleles, 1 homozygote. Not counted in ClinVar's aggregate classification.

NM_000179.3(MSH6):c.1883G>A (p.Trp628Ter)

Gene: MSH6 (mutS homolog 6; plus strand). Cytogenetic location: 2p16.3.
Variant type: single nucleotide variant.
Coding change: c.1883G>A on transcript NM_000179.3 (MANE Select); coding-DNA position 1883, G replaced by A.
Protein change: p.Trp628Ter; replaces tryptophan 628 with a stop codon.
Molecular consequence: nonsense.
Genome position (GRCh38, 1-based): chr2:47,799,866, G>A. VCF-style: chr2-47799866-G-A. GRCh37 (hg19) VCF-style: chr2-48027005-G-A.
Other names: c.1493G>A, p.Trp498Ter (NM_001281492.2); c.977G>A, p.Trp326Ter (NM_001281493.2, NM_001281494.2); short protein forms W628*, W326*, W498*.
Identifiers: ClinVar variation 218054 (VCV000218054.10), dbSNP rs863225401, ClinGen allele CA279790.